The following is an entry in ClinVar:

NM_032130.3(FAM186B):c.2534+5G>A

Gene: FAM186B (family with sequence similarity 186 member B; minus strand). Cytogenetic location: 12q13.12.
Variant type: single nucleotide variant.
Coding change: c.2534+5G>A on transcript NM_032130.3 (MANE Select); 5 bases into the intron after coding-DNA position 2534, G replaced by A.
Molecular consequence: intron variant.
Genome position (GRCh38, 1-based): chr12:49,588,449, C>T on the plus strand (G>A on the coding strand, the complement: FAM186B is on the minus strand). VCF-style: chr12-49588449-C-T. GRCh37 (hg19) VCF-style: chr12-49982232-C-T.
Identifiers: ClinVar variation 1974030 (VCV001974030.5), dbSNP rs778103645, ClinGen allele CA6554417.
Genomic context (GRCh38, chr12:49,588,449, plus strand): 5'-GGTCACCCCTGCTCCCTGCCTCTTCACCCATACAGCTGCTGCCCCCTCAGCTTCCCAGAA[C>T]CTACCGGGCCATCTGCAGGGGCACACATGCCCGGTGCCTAGACAGAAAGGGCTGCTTGTA-3'

ClinVar aggregate classification (germline): Uncertain significance (1 of 4 stars; one submission).

gnomAD v4.1: 1 of 1,608,824 alleles (0.000062%); highest among the groups gnomAD compares: Non-Finnish European, 0.000085%; no homozygotes.

Submission:

Labcorp Genetics (formerly Invitae), Labcorp
Classification: Uncertain significance. Last evaluated: 2021-11-23. Review status: criteria provided, single submitter. Criteria: Invitae Variant Classification Sherloc (09022015). Collection method: clinical testing. Allele origin: germline.
Comment: In summary, the available evidence is currently insufficient to determine the role of this variant in disease. Therefore, it has been classified as a Variant of Uncertain Significance. Variants that disrupt the consensus splice site are a relatively common cause of aberrant splicing (PMID: 17576681, 9536098). Experimental studies and prediction algorithms are not available or were not evaluated, and the effect of this variant on mRNA splicing is currently unknown. This variant has not been reported in the literature in individuals affected with FAM186B-related conditions. The frequency data for this variant in the population databases is considered unreliable, as metrics indicate poor data quality at this position in the gnomAD database. This sequence change falls in intron 6 of the FAM186B gene. It does not directly change the encoded amino acid sequence of the FAM186B protein. It affects a nucleotide within the consensus splice site.

Literature cited by the submitters: PubMed 17576681; PubMed 9536098.